The following is an entry in ClinVar:

NM_001267550.2(TTN):c.92780T>A (p.Ile30927Lys)

Genes: TTN-AS1 (TTN antisense RNA 1; plus strand), TTN (titin; minus strand). Cytogenetic location: 2q31.2.
Variant type: single nucleotide variant.
Coding change: c.92780T>A on transcript NM_001267550.2 (MANE Select); coding-DNA position 92780, T replaced by A.
Protein change: p.Ile30927Lys; replaces isoleucine 30927 with lysine.
Molecular consequence: missense variant.
Genome position (GRCh38, 1-based): chr2:178,548,846, A>T on the plus strand (T>A on the coding strand, the complement: TTN is on the minus strand). VCF-style: chr2-178548846-A-T. GRCh37 (hg19) VCF-style: chr2-179413573-A-T.
Other names: p.I29286K:ATA>AAA; c.65585T>A, p.Ile21862Lys (NM_003319.4); c.65960T>A, p.Ile21987Lys (NM_133432.3); c.66161T>A, p.Ile22054Lys (NM_133437.4); c.87857T>A, p.Ile29286Lys (NM_001256850.1); c.85076T>A, p.Ile28359Lys (NM_133378.4); short protein forms I28359K, I30927K, I29286K, I22054K, I21862K, I21987K.
Identifiers: ClinVar variation 179810 (VCV000179810.65), dbSNP rs531432790, ClinGen allele CA185183.

ClinVar aggregate classification (germline): Conflicting classifications of pathogenicity. Review status: criteria provided, conflicting classifications (1 of 4 stars). 12 submissions from 12 submitters: Uncertain significance (2); Benign (2); Likely benign (4). 4 of the submissions do not count toward it. Last evaluated 2026-08-01.

Conditions:
TTN-related disorder. Also called: TTN-related disorders; TTN-related condition; TTN-related disease.
Cardiovascular phenotype. Identifiers: MedGen CN230736.
Autosomal recessive limb-girdle muscular dystrophy type 2J (LGMDR10). Also called: Limb-girdle muscular dystrophy, type 2J; MUSCULAR DYSTROPHY, LIMB-GIRDLE, AUTOSOMAL RECESSIVE 10. Identifiers: Orphanet 140922, MedGen C1837342, MONDO:0012127, OMIM 608807.
Dilated cardiomyopathy 1G (CMD1G). Identifiers: Orphanet 154, MedGen C1858763, MONDO:0011400, OMIM 604145.
Cardiomyopathy (CMYO). Also called: Cardiomyopathies. Identifiers: Orphanet 167848, MedGen C0878544, MONDO:0004994, HP:0001638. Inheritance: Various modes of inheritance.
Primary dilated cardiomyopathy (DCM). Also called: Dilated Cardiomyopathy. Identifiers: Orphanet 217604, MedGen C0007193, MeSH D002311, MONDO:0005021, HP:0001644. Inheritance: Various modes of inheritance.

Allele frequency attached by ClinVar (database versions not stated): gnomAD 0.00001 and 0.00020; TOPMed 0.00003; 1000 Genomes Project 30x 0.00062; gnomAD exomes 0.00063; 1000 Genomes Project 0.00080; ExAC 0.00084.
gnomAD v4.1: 520 of 1,613,414 alleles (0.032%); highest among the groups gnomAD compares: South Asian, 0.51%; 3 homozygotes.

Submissions (12):

CeGaT Center for Human Genetics Tuebingen
Classification: Likely benign. Last evaluated: 2026-08-01. Review status: criteria provided, single submitter. Criteria: CeGaT Center For Human Genetics Tuebingen Variant Classification Criteria Version 2. Collection method: clinical testing. Allele origin: germline. Affected: yes. Observed: 5 variant alleles.
Comment: TTN: BS2

Labcorp Genetics (formerly Invitae), Labcorp
Classification: Benign for Dilated cardiomyopathy 1G; Autosomal recessive limb-girdle muscular dystrophy type 2J. Last evaluated: 2026-01-06. Review status: criteria provided, single submitter. Criteria: Invitae Variant Classification Sherloc (09022015). Collection method: clinical testing. Allele origin: germline.

Blueprint Genetics
Classification: Likely benign. Last evaluated: 2024-11-21. Review status: criteria provided, single submitter. Criteria: ACMG Guidelines, 2015. Collection method: clinical testing. Allele origin: germline.

Ambry Genetics
Classification: Likely benign for Cardiovascular phenotype. Last evaluated: 2019-09-11. Review status: criteria provided, single submitter. Criteria: Ambry Variant Classification Scheme 2023. Collection method: clinical testing. Allele origin: germline.

CHEO Genetics Diagnostic Laboratory, Children's Hospital of Eastern Ontario
Classification: Benign for Cardiomyopathy. Last evaluated: 2018-04-12. Review status: criteria provided, single submitter. Criteria: ACMG Guidelines, 2015. Collection method: clinical testing. Allele origin: germline.

GeneDx
Classification: Likely benign. Last evaluated: 2017-11-16. Review status: criteria provided, single submitter. Criteria: GeneDx Variant Classification (06012015). Collection method: clinical testing. Allele origin: germline. Affected: yes.
Comment: This variant is considered likely benign or benign based on one or more of the following criteria: it is a conservative change, it occurs at a poorly conserved position in the protein, it is predicted to be benign by multiple in silico algorithms, and/or has population frequency not consistent with disease.

Laboratory for Molecular Medicine, Mass General Brigham Personalized Medicine
Classification: Uncertain significance. Last evaluated: 2014-06-27. Review status: criteria provided, single submitter. Criteria: LMM Criteria. Collection method: clinical testing. Allele origin: germline. Observed: 2 variant alleles.
Comment: The Ile28359Lys variant in TTN has not been previously reported in individuals w ith cardiomyopathy or in large population studies. Computational prediction too ls and conservation analysis do not provide strong support for or against an imp act to the protein. In summary, the clinical significance of the Ile28359Lys var iant is uncertain.

Genetics and Genomics Program, Sidra Medicine
Classification: Uncertain significance for Primary dilated cardiomyopathy. Review status: criteria provided, single submitter. Criteria: ACMG Guidelines, 2015. Collection method: research. Allele origin: unknown. Affected: yes. Observed: 1 variant allele.

PreventionGenetics, part of Exact Sciences
Classification: Likely benign for TTN-related condition. Last evaluated: 2024-09-03. Review status: no assertion criteria provided. Collection method: clinical testing. Allele origin: germline. Not counted in ClinVar's aggregate classification.
Comment: This variant is classified as likely benign based on ACMG/AMP sequence variant interpretation guidelines (Richards et al. 2015 PMID: 25741868, with internal and published modifications).

Clinical Genetics DNA and cytogenetics Diagnostics Lab, Erasmus MC, Erasmus Medical Center
Classification: Benign. Review status: no assertion criteria provided. Collection method: clinical testing. Allele origin: germline. Affected: yes. Study: VKGL Data-share Consensus. Not counted in ClinVar's aggregate classification.

Clinical Genetics, Academic Medical Center
Classification: Benign. Review status: no assertion criteria provided. Collection method: clinical testing. Allele origin: germline. Affected: yes. Study: VKGL Data-share Consensus. Not counted in ClinVar's aggregate classification.

Genome Diagnostics Laboratory, University Medical Center Utrecht
Classification: Benign. Review status: no assertion criteria provided. Collection method: clinical testing. Allele origin: germline. Affected: yes. Study: VKGL Data-share Consensus. Not counted in ClinVar's aggregate classification.